The following is an entry in ClinVar:

ClinVar aggregate classification (germline): Uncertain significance (1 of 4 stars; one submission).

Conditions:
Congenital neutropenia-myelofibrosis-nephromegaly syndrome. Also called: Severe congenital neutropenia 5, autosomal recessive. Identifiers: Orphanet 369852, MedGen C3809031, MONDO:0014118, OMIM 615285.

Submission:

Labcorp Genetics (formerly Invitae), Labcorp
Classification: Uncertain significance for Congenital neutropenia-myelofibrosis-nephromegaly syndrome. Last evaluated: 2022-08-15. Review status: criteria provided, single submitter. Criteria: Invitae Variant Classification Sherloc (09022015). Collection method: clinical testing. Allele origin: germline.
Comment: In summary, the available evidence is currently insufficient to determine the role of this variant in disease. Therefore, it has been classified as a Variant of Uncertain Significance. Algorithms developed to predict the effect of missense changes on protein structure and function are either unavailable or do not agree on the potential impact of this missense change (SIFT: "Tolerated"; PolyPhen-2: "Possibly Damaging"; Align-GVGD: "Class C0"). ClinVar contains an entry for this variant (Variation ID: 1402871). This variant has not been reported in the literature in individuals affected with VPS45-related conditions. This variant is not present in population databases (gnomAD no frequency). This sequence change replaces valine, which is neutral and non-polar, with isoleucine, which is neutral and non-polar, at codon 118 of the VPS45 protein (p.Val118Ile).

NM_007259.5(VPS45):c.352G>A (p.Val118Ile)

Gene: VPS45 (vacuolar protein sorting 45 homolog; plus strand). Cytogenetic location: 1q21.2.
Variant type: single nucleotide variant.
Coding change: c.352G>A on transcript NM_007259.5 (MANE Select); coding-DNA position 352, G replaced by A.
Protein change: p.Val118Ile; replaces valine 118 with isoleucine.
Molecular consequence: missense variant. On other transcripts: non-coding transcript variant (1).
Genome position (GRCh38, 1-based): chr1:150,076,295, G>A. VCF-style: chr1-150076295-G-A. GRCh37 (hg19) VCF-style: chr1-150048373-G-A.
Other names: c.244G>A, p.Val82Ile (NM_001279353.2, NM_001279354.2); short protein forms V82I, V118I.
Identifiers: ClinVar variation 1402871 (VCV001402871.8), dbSNP rs2101515689, ClinGen allele CA342262592.